The following is an entry in ClinVar:

NM_014236.4(GNPAT):c.773-2A>G

Gene: GNPAT (glyceronephosphate O-acyltransferase; plus strand). Cytogenetic location: 1q42.2.
Variant type: single nucleotide variant.
Coding change: c.773-2A>G on transcript NM_014236.4 (MANE Select); the canonical splice acceptor site of the intron before coding-DNA position 773, A replaced by G.
Molecular consequence: splice acceptor variant.
Genome position (GRCh38, 1-based): chr1:231,266,012, A>G. VCF-style: chr1-231266012-A-G. GRCh37 (hg19) VCF-style: chr1-231401758-A-G.
Other names: c.590-2A>G (NM_001316350.2).
Identifiers: ClinVar variation 1067093 (VCV001067093.5), dbSNP rs1685373168, ClinGen allele CA345233847.

ClinVar aggregate classification (germline): Likely pathogenic (1 of 4 stars; one submission).

Allele frequency attached by ClinVar (database versions not stated): TOPMed below 0.00001.

Submission:

Labcorp Genetics (formerly Invitae), Labcorp
Classification: Likely pathogenic. Last evaluated: 2018-05-14. Review status: criteria provided, single submitter. Criteria: Invitae Variant Classification Sherloc (09022015). Collection method: clinical testing. Allele origin: germline.
Comment: This variant is not present in population databases (ExAC no frequency). This sequence change affects an acceptor splice site in intron 6 of the GNPAT gene. It is expected to disrupt RNA splicing and likely results in an absent or disrupted protein product. This variant has not been reported in the literature in individuals with GNPAT-related disease. In summary, the currently available evidence indicates that the variant is pathogenic, but additional data are needed to prove that conclusively. Therefore, this variant has been classified as Likely Pathogenic. Donor and acceptor splice site variants typically lead to a loss of protein function (PMID: 16199547), and loss-of-function variants in GNPAT are known to be pathogenic (PMID: 9536089, 21990100). Algorithms developed to predict the effect of sequence changes on RNA splicing suggest that this variant may disrupt the consensus splice site, but this prediction has not been confirmed by published transcriptional studies.

Literature cited by the submitters: PubMed 16199547; PubMed 9536089; PubMed 21990100.